The following is an entry in ClinVar:

ClinVar aggregate classification (germline): Conflicting classifications of pathogenicity. Review status: criteria provided, conflicting classifications (1 of 4 stars). 2 submissions from 2 submitters: Uncertain significance (1); Likely benign (1). Last evaluated 2024-04-03.

Conditions:
Cardiovascular phenotype. Identifiers: MedGen CN230736.
Congenital primary aphakia. Also called: ANTERIOR SEGMENT DYSGENESIS 2; Anterior segment dysgenesis 2, multiple subtypes. Identifiers: Orphanet 83461, MedGen C1853230, MONDO:0012456, OMIM 610256.
Anterior segment dysgenesis. Also called: Ocular anterior segment dysgenesis. Identifiers: Orphanet 88632, MedGen C1862839, MONDO:0019503, HP:0007700.

Allele frequency attached by ClinVar (database versions not stated): gnomAD exomes below 0.00001; TOPMed below 0.00001; gnomAD 0.00001.

Submissions (2):

Labcorp Genetics (formerly Invitae), Labcorp
Classification: Uncertain significance for Anterior segment dysgenesis; Congenital primary aphakia. Last evaluated: 2024-04-03. Review status: criteria provided, single submitter. Criteria: Invitae Variant Classification Sherloc (09022015). Collection method: clinical testing. Allele origin: germline.
Comment: This sequence change affects codon 121 of the FOXE3 mRNA. It is a 'silent' change, meaning that it does not change the encoded amino acid sequence of the FOXE3 protein. This variant is not present in population databases (gnomAD no frequency). This variant has not been reported in the literature in individuals affected with FOXE3-related conditions. ClinVar contains an entry for this variant (Variation ID: 2448358). In summary, the available evidence is currently insufficient to determine the role of this variant in disease. Therefore, it has been classified as a Variant of Uncertain Significance.

Ambry Genetics
Classification: Likely benign for Cardiovascular phenotype. Last evaluated: 2022-11-10. Review status: criteria provided, single submitter. Criteria: Ambry Variant Classification Scheme 2023. Collection method: clinical testing. Allele origin: germline.

NM_012186.3(FOXE3):c.363C>T (p.His121=)

Genes: FOXE3 (forkhead box E3; plus strand), LINC01389 (long independently transcribed non-coding RNA 1389; minus strand). Cytogenetic location: 1p33.
Variant type: single nucleotide variant.
Coding change: c.363C>T on transcript NM_012186.3 (MANE Select); coding-DNA position 363, C replaced by T.
Protein change: p.His121=; no amino-acid change (histidine 121 retained).
Molecular consequence: synonymous variant.
Genome position (GRCh38, 1-based): chr1:47,416,678, C>T. VCF-style: chr1-47416678-C-T. GRCh37 (hg19) VCF-style: chr1-47882350-C-T.
Identifiers: ClinVar variation 2448358 (VCV002448358.4), dbSNP rs1646884829, ClinGen allele CA417892330.